The following is an entry in ClinVar:

ClinVar aggregate classification (germline): Benign. Review status: criteria provided, multiple submitters, no conflicts (2 of 4 stars). 4 submissions from 4 submitters: Benign (4). Last evaluated 2026-02-03.

Conditions:
Compton-North congenital myopathy (CMYO12). Identifiers: Orphanet 210163, MedGen C2675527, MONDO:0012929, OMIM 612540.

Allele frequency attached by ClinVar (database versions not stated): TOPMed 0.11475; 1000 Genomes Project 30x 0.08823; 1000 Genomes Project 0.08626; gnomAD 0.11616; ESP Exome Variant Server 0.11787.
gnomAD v4.1: 191,930 of 1,611,240 alleles (12%); highest among the groups gnomAD compares: Non-Finnish European, 12%; 11,974 homozygotes.

Submissions (7):

Labcorp Genetics (formerly Invitae), Labcorp
Classification: Benign for Compton-North congenital myopathy. Last evaluated: 2026-02-03. Review status: criteria provided, single submitter. Criteria: Invitae Variant Classification Sherloc (09022015). Collection method: clinical testing. Allele origin: germline.

GeneDx
Classification: Benign. Last evaluated: 2016-02-08. Review status: criteria provided, single submitter. Criteria: GeneDx Variant Classification (06012015). Collection method: clinical testing. Allele origin: germline. Affected: yes.
Comment: This variant is considered likely benign or benign based on one or more of the following criteria: it is a conservative change, it occurs at a poorly conserved position in the protein, it is predicted to be benign by multiple in silico algorithms, and/or has population frequency not consistent with disease.

Breakthrough Genomics
Classification: Benign. Review status: criteria provided, single submitter. Criteria: ACMG Guidelines, 2015. Collection method: not provided. Allele origin: germline. Inheritance: Autosomal recessive inheritance. Affected: yes.

PreventionGenetics, part of Exact Sciences
Classification: Benign. Review status: criteria provided, single submitter. Criteria: ACMG Guidelines, 2015. Collection method: clinical testing. Allele origin: germline.

Dr. Peter K. Rogan Lab, Western University
No classification provided (evidence only). Condition: Cholangiocarcinoma. Review status: no classification provided. Collection method: in vitro. Allele origin: not applicable. Functional consequence: retained intron. Not counted in ClinVar's aggregate classification.

Dr. Peter K. Rogan Lab, Western University
No classification provided (evidence only). Condition: Cholangiocarcinoma. Review status: no classification provided. Collection method: in vitro. Allele origin: not applicable. Functional consequence: retained intron. Not counted in ClinVar's aggregate classification.

Dr. Peter K. Rogan Lab, Western University
No classification provided (evidence only). Condition: Uterine carcinosarcoma. Review status: no classification provided. Collection method: in vitro. Allele origin: not applicable. Functional consequence: retained intron. Not counted in ClinVar's aggregate classification.

NM_001843.4(CNTN1):c.1805-14C>A

Gene: CNTN1 (contactin 1; plus strand). Cytogenetic location: 12q12.
Variant type: single nucleotide variant.
Coding change: c.1805-14C>A on transcript NM_001843.4 (MANE Select); 14 bases into the intron before coding-DNA position 1805, C replaced by A.
Molecular consequence: intron variant.
Genome position (GRCh38, 1-based): chr12:40,980,895, C>A. VCF-style: chr12-40980895-C-A. GRCh37 (hg19) VCF-style: chr12-41374697-C-A.
Other names: c.1772-14C>A (NM_175038.2).
Identifiers: ClinVar variation 258193 (VCV000258193.12), dbSNP rs10784981, ClinGen allele CA6516987.